The following is an entry in ClinVar:

NM_015338.6(ASXL1):c.4523G>A (p.Cys1508Tyr)

Gene: ASXL1 (ASXL transcriptional regulator 1; plus strand). Cytogenetic location: 20q11.21.
Variant type: single nucleotide variant.
Coding change: c.4523G>A on transcript NM_015338.6 (MANE Select); coding-DNA position 4523, G replaced by A.
Protein change: p.Cys1508Tyr; replaces cysteine 1508 with tyrosine.
Molecular consequence: missense variant.
Genome position (GRCh38, 1-based): chr20:32,437,235, G>A. VCF-style: chr20-32437235-G-A. GRCh37 (hg19) VCF-style: chr20-31025038-G-A.
Other names: c.4340G>A, p.Cys1447Tyr (NM_001363734.1); short protein forms C1447Y, C1508Y.
Identifiers: ClinVar variation 5029888 (VCV005029888.1).
Genomic context (GRCh38, chr20:32,437,235, plus strand): 5'-TTTCCTTGCAAATGTTCACTGACAGCAGCACGGTGGAAAGCATCTCGCTCCAGTGTGCGT[G>A]CAGCCTGAAAGCCATGATCATGTGCCAAGGCTGCGGTGCGTTCTGTCACGATGACTGTAT-3'
Protein context (NP_056153.2, residues 1498-1518): TVESISLQCA[Cys1508Tyr]SLKAMIMCQG

ClinVar aggregate classification (germline): Uncertain significance (1 of 4 stars; one submission).

Conditions:
Inborn genetic diseases. Identifiers: MedGen C0950123, MeSH D030342.

Submission:

Ambry Genetics
Classification: Uncertain significance for Inborn genetic diseases. Last evaluated: 2026-07-11. Review status: criteria provided, single submitter. Criteria: Ambry Variant Classification Scheme 2023. Collection method: clinical testing. Allele origin: germline.
Comment: The p.C1508Y variant (also known as c.4523G>A), located in coding exon 13 of the ASXL1 gene, results from a G to A substitution at nucleotide position 4523. The cysteine at codon 1508 is replaced by tyrosine, an amino acid with highly dissimilar properties. This amino acid position is conserved. In addition, this alteration is predicted to be deleterious by in silico analysis. Based on the available evidence, the clinical significance of this variant remains unclear.